The following is an entry in ClinVar:

NC_000023.10:g.(?_32509374)_(32717430_?)del

Gene: DMD (dystrophin; minus strand). Cytogenetic location: Xp21.1.
Variant type: Deletion.
Identifiers: ClinVar variation 3248494 (VCV003248494.1).

ClinVar aggregate classification (germline): Pathogenic (1 of 4 stars; one submission).

Conditions:
Duchenne muscular dystrophy (DMD). Also called: MUSCULAR DYSTROPHY, PSEUDOHYPERTROPHIC PROGRESSIVE, DUCHENNE TYPE; Duchenne Muscular Dystrophy (DMD). Identifiers: Orphanet 98896, MedGen C0013264, MONDO:0010679, OMIM 310200.

Submission:

Labcorp Genetics (formerly Invitae), Labcorp
Classification: Pathogenic for Duchenne muscular dystrophy. Last evaluated: 2023-08-16. Review status: criteria provided, single submitter. Criteria: Invitae Variant Classification Sherloc (09022015). Collection method: clinical testing. Allele origin: unknown.
Comment: For these reasons, this variant has been classified as Pathogenic. A similar copy number variant has been observed in individuals with Duchenne muscular dystrophy (PMID: 17854090, 31081998, 31705731). This variant is a gross deletion of the genomic region encompassing exon(s) 8-20 of the DMD gene. This deletion is out-of-frame, and is expected to create a premature termination codon and result in an absent or disrupted protein product. Loss-of-function variants in DMD are known to be pathogenic (PMID: 16770791, 25007885).

Literature cited by the submitters: PubMed 17854090; PubMed 31081998; PubMed 31705731; PubMed 16770791; PubMed 25007885.